The following is an entry in ClinVar:

ClinVar aggregate classification (germline): Uncertain significance (1 of 4 stars; one submission).

Conditions:
Cardiovascular phenotype. Identifiers: MedGen CN230736.

Submission:

Ambry Genetics
Classification: Uncertain significance for Cardiovascular phenotype. Last evaluated: 2023-02-11. Review status: criteria provided, single submitter. Criteria: Ambry Variant Classification Scheme 2023. Collection method: clinical testing. Allele origin: germline.
Comment: The p.E258Q variant (also known as c.772G>C), located in coding exon 3 of the APOA1 gene, results from a G to C substitution at nucleotide position 772. The glutamic acid at codon 258 is replaced by glutamine, an amino acid with highly similar properties. This amino acid position is conserved. In addition, this alteration is predicted to be tolerated by in silico analysis. Since supporting evidence is limited at this time, the clinical significance of this alteration remains unclear.

NM_000039.3(APOA1):c.772G>C (p.Glu258Gln)

Gene: APOA1 (apolipoprotein A1; minus strand). Cytogenetic location: 11q23.3.
Variant type: single nucleotide variant.
Coding change: c.772G>C on transcript NM_000039.3 (MANE Select); coding-DNA position 772, G replaced by C.
Protein change: p.Glu258Gln; replaces glutamic acid 258 with glutamine.
Molecular consequence: missense variant.
Genome position (GRCh38, 1-based): chr11:116,835,840, C>G on the plus strand (G>C on the coding strand, the complement: APOA1 is on the minus strand). VCF-style: chr11-116835840-C-G. GRCh37 (hg19) VCF-style: chr11-116706556-C-G.
Other names: c.772G>C, p.Glu258Gln (NM_001318017.2, NM_001318018.2); c.445G>C, p.Glu149Gln (NM_001318021.2); short protein forms E258Q, E149Q.
Identifiers: ClinVar variation 2452143 (VCV002452143.2), dbSNP rs2540286974, ClinGen allele CA382713781.